The following is an entry in ClinVar:

ClinVar aggregate classification (germline): Likely benign. Review status: criteria provided, single submitter (1 of 4 stars). 2 submissions from 2 submitters: Likely benign (1). 1 of the submissions does not count toward it. Last evaluated 2023-05-30.

Conditions:
PCNT-related disorder. Also called: PCNT-related condition.

Allele frequency attached by ClinVar (database versions not stated): TOPMed below 0.00001; gnomAD 0.00001; ExAC 0.00002; gnomAD exomes 0.00002.
gnomAD v4.1: 22 of 1,596,870 alleles (0.0014%); highest among the groups gnomAD compares: Non-Finnish European, 0.0018%; no homozygotes.

Submissions (2):

Labcorp Genetics (formerly Invitae), Labcorp
Classification: Likely benign. Last evaluated: 2023-05-30. Review status: criteria provided, single submitter. Criteria: Invitae Variant Classification Sherloc (09022015). Collection method: clinical testing. Allele origin: germline.

PreventionGenetics, part of Exact Sciences
Classification: Likely benign for PCNT-related condition. Last evaluated: 2024-07-11. Review status: no assertion criteria provided. Collection method: clinical testing. Allele origin: germline. Not counted in ClinVar's aggregate classification.
Comment: This variant is classified as likely benign based on ACMG/AMP sequence variant interpretation guidelines (Richards et al. 2015 PMID: 25741868, with internal and published modifications).

NM_006031.6(PCNT):c.4506G>A (p.Leu1502=)

Gene: PCNT (pericentrin; plus strand). Cytogenetic location: 21q22.3.
Variant type: single nucleotide variant.
Coding change: c.4506G>A on transcript NM_006031.6 (MANE Select); coding-DNA position 4506, G replaced by A.
Protein change: p.Leu1502=; no amino-acid change (leucine 1502 retained).
Molecular consequence: synonymous variant.
Genome position (GRCh38, 1-based): chr21:46,398,073, G>A. VCF-style: chr21-46398073-G-A. GRCh37 (hg19) VCF-style: chr21-47817987-G-A.
Other names: c.4506G>A (NM_006031.5); c.4152G>A, p.Leu1384= (NM_001315529.2).
Identifiers: ClinVar variation 3008449 (VCV003008449.4), dbSNP rs780201258, ClinGen allele CA10079662.